The following is an entry in ClinVar:

ClinVar aggregate classification (germline): Uncertain significance (1 of 4 stars; one submission).

Submission:

Labcorp Genetics (formerly Invitae), Labcorp
Classification: Uncertain significance. Last evaluated: 2024-10-24. Review status: criteria provided, single submitter. Criteria: Invitae Variant Classification Sherloc (09022015). Collection method: clinical testing. Allele origin: germline.
Comment: This sequence change replaces cysteine, which is neutral and slightly polar, with serine, which is neutral and polar, at codon 55 of the COL2A1 protein (p.Cys55Ser). This variant is not present in population databases (gnomAD no frequency). This variant has not been reported in the literature in individuals affected with COL2A1-related conditions. Invitae Evidence Modeling of protein sequence and biophysical properties (such as structural, functional, and spatial information, amino acid conservation, physicochemical variation, residue mobility, and thermodynamic stability) indicates that this missense variant is expected to disrupt COL2A1 protein function with a positive predictive value of 95%. In summary, the available evidence is currently insufficient to determine the role of this variant in disease. Therefore, it has been classified as a Variant of Uncertain Significance.

NM_001844.5(COL2A1):c.164G>C (p.Cys55Ser)

Gene: COL2A1 (collagen type II alpha 1 chain; minus strand). Cytogenetic location: 12q13.11.
Variant type: single nucleotide variant.
Coding change: c.164G>C on transcript NM_001844.5 (MANE Select); coding-DNA position 164, G replaced by C.
Protein change: p.Cys55Ser; replaces cysteine 55 with serine.
Molecular consequence: missense variant. On other transcripts: intron variant (1).
Genome position (GRCh38, 1-based): chr12:48,000,047, C>G on the plus strand (G>C on the coding strand, the complement: COL2A1 is on the minus strand). VCF-style: chr12-48000047-C-G. GRCh37 (hg19) VCF-style: chr12-48393830-C-G.
Other names: c.86-1616G>C (NM_033150.3); short protein forms C55S.
Identifiers: ClinVar variation 3635077 (VCV003635077.2).